The following is an entry in ClinVar:

ClinVar aggregate classification (germline): Uncertain significance (1 of 4 stars; one submission).

Allele frequency attached by ClinVar (database versions not stated): gnomAD exomes below 0.00001; ExAC 0.00001; gnomAD 0.00001; TOPMed 0.00002.
gnomAD v4.1: 7 of 1,580,998 alleles (0.00044%); highest among the groups gnomAD compares: Non-Finnish European, 0.0006%; no homozygotes.

Submission:

GeneDx
Classification: Uncertain significance. Last evaluated: 2022-07-19. Review status: criteria provided, single submitter. Criteria: GeneDx Variant Classification Process June 2021. Collection method: clinical testing. Allele origin: germline. Affected: yes.
Comment: Canonical splice site variant in a gene or region of a gene for which loss of function is not a well-established mechanism of disease; Has not been previously published as pathogenic or benign to our knowledge

NM_004736.4(XPR1):c.122-1G>C

Gene: XPR1 (xenotropic and polytropic retrovirus receptor 1; plus strand). Cytogenetic location: 1q25.3.
Variant type: single nucleotide variant.
Coding change: c.122-1G>C on transcript NM_004736.4 (MANE Select); the canonical splice acceptor site of the intron before coding-DNA position 122, G replaced by C.
Molecular consequence: splice acceptor variant.
Genome position (GRCh38, 1-based): chr1:180,787,752, G>C. VCF-style: chr1-180787752-G-C. GRCh37 (hg19) VCF-style: chr1-180756888-G-C.
Other names: c.122-1G>C (NM_001135669.2, NM_001328662.2).
Identifiers: ClinVar variation 2136082 (VCV002136082.1), dbSNP rs766897329, ClinGen allele CA1272485.